The following is an entry in ClinVar:

NM_006230.4(POLD2):c.1114C>T (p.Arg372Cys)

Gene: POLD2 (DNA polymerase delta 2, accessory subunit; minus strand). Cytogenetic location: 7p13.
Variant type: single nucleotide variant.
Coding change: c.1114C>T on transcript NM_006230.4 (MANE Select); coding-DNA position 1114, C replaced by T.
Protein change: p.Arg372Cys; replaces arginine 372 with cysteine.
Molecular consequence: missense variant.
Genome position (GRCh38, 1-based): chr7:44,115,799, G>A on the plus strand (C>T on the coding strand, the complement: POLD2 is on the minus strand). VCF-style: chr7-44115799-G-A. GRCh37 (hg19) VCF-style: chr7-44155398-G-A.
Other names: c.1114C>T, p.Arg372Cys (NM_001256879.2, NM_001127218.3); short protein forms R372C.
Identifiers: ClinVar variation 2536437 (VCV002536437.5), dbSNP rs147996458, ClinGen allele CA4238640.

ClinVar aggregate classification (germline): Uncertain significance. Review status: criteria provided, multiple submitters, no conflicts (2 of 4 stars). 2 submissions from 2 submitters: Uncertain significance (2). Last evaluated 2025-07-25.

Allele frequency attached by ClinVar (database versions not stated): ExAC 0.00002; gnomAD 0.00002; TOPMed 0.00003; ESP Exome Variant Server 0.00015; gnomAD exomes 0.00002.
gnomAD v4.1: 43 of 1,613,934 alleles (0.0027%); highest among the groups gnomAD compares: African/African-American, 0.0053%; no homozygotes.

Submissions (2):

Labcorp Genetics (formerly Invitae), Labcorp
Classification: Uncertain significance. Last evaluated: 2025-07-25. Review status: criteria provided, single submitter. Criteria: Invitae Variant Classification Sherloc (09022015). Collection method: clinical testing. Allele origin: germline.
Comment: This sequence change replaces arginine, which is basic and polar, with cysteine, which is neutral and slightly polar, at codon 407 of the POLD2 protein (p.Arg407Cys). This variant is present in population databases (rs147996458, gnomAD 0.005%). This variant has not been reported in the literature in individuals affected with POLD2-related conditions. ClinVar contains an entry for this variant (Variation ID: 2536437). Experimental studies and prediction algorithms are not available or were not evaluated, and the functional significance of this variant is currently unknown. In summary, the available evidence is currently insufficient to determine the role of this variant in disease. Therefore, it has been classified as a Variant of Uncertain Significance.

Ambry Genetics
Classification: Uncertain significance. Last evaluated: 2023-04-12. Review status: criteria provided, single submitter. Criteria: Ambry Variant Classification Scheme 2023. Collection method: clinical testing. Allele origin: germline.